The following is an entry in ClinVar:

NM_144997.7(FLCN):c.1108A>C (p.Met370Leu)

Gene: FLCN (folliculin; minus strand). Cytogenetic location: 17p11.2.
Variant type: single nucleotide variant.
Coding change: c.1108A>C on transcript NM_144997.7 (MANE Select); coding-DNA position 1108, A replaced by C.
Protein change: p.Met370Leu; replaces methionine 370 with leucine.
Molecular consequence: missense variant.
Genome position (GRCh38, 1-based): chr17:17,217,137, T>G on the plus strand (A>C on the coding strand, the complement: FLCN is on the minus strand). VCF-style: chr17-17217137-T-G. GRCh37 (hg19) VCF-style: chr17-17120451-T-G.
Other names: c.1162A>C, p.Met388Leu (NM_001353229.2); c.1108A>C, p.Met370Leu (NM_001353230.2, NM_001353231.2); short protein forms M370L, M388L.
Identifiers: ClinVar variation 1794179 (VCV001794179.2), dbSNP rs1597586957, ClinGen allele CA398532316.

ClinVar aggregate classification (germline): Uncertain significance (1 of 4 stars; one submission).

Conditions:
Hereditary cancer-predisposing syndrome. Also called: Tumor predisposition; Hereditary Cancer Syndrome; Neoplastic Syndromes, Hereditary; Hereditary neoplastic syndrome. Identifiers: Orphanet 140162, MedGen C0027672, MeSH D009386, MONDO:0015356.

Submission:

Ambry Genetics
Classification: Uncertain significance for Hereditary cancer-predisposing syndrome. Last evaluated: 2022-04-05. Review status: criteria provided, single submitter. Criteria: Ambry Variant Classification Scheme 2023. Collection method: clinical testing. Allele origin: germline.
Comment: The p.M370L variant (also known as c.1108A>C), located in coding exon 7 of the FLCN gene, results from an A to C substitution at nucleotide position 1108. The methionine at codon 370 is replaced by leucine, an amino acid with highly similar properties. This amino acid position is conserved. In addition, this alteration is predicted to be deleterious by in silico analysis. Since supporting evidence is limited at this time, the clinical significance of this alteration remains unclear.